The following is an entry in ClinVar:

ClinVar aggregate classification (germline): Uncertain significance (1 of 4 stars; one submission).

Conditions:
Dilated cardiomyopathy 1AA (CMD1AA). Also called: CARDIOMYOPATHY, FAMILIAL HYPERTROPHIC, 23, WITH OR WITHOUT LEFT VENTRICULAR NONCOMPACTION; CARDIOMYOPATHY, DILATED, 1AA, WITH OR WITHOUT LEFT VENTRICULAR NONCOMPACTION; Cardiomyopathy, dilated, 1AA, with or without LVNC. Identifiers: Orphanet 154, MedGen C2677338, MONDO:0012808, OMIM 612158.
Primary familial hypertrophic cardiomyopathy (HCM). Identifiers: Orphanet 99739, MedGen C0949658, MeSH D024741, MONDO:0024573. Inheritance: Various modes of inheritance.

gnomAD v4.1: 1 of 1,614,088 alleles (0.000062%); highest among the groups gnomAD compares: African/African-American, 0.0013%; no homozygotes.

Submission:

Labcorp Genetics (formerly Invitae), Labcorp
Classification: Uncertain significance for Primary familial hypertrophic cardiomyopathy; Dilated cardiomyopathy 1AA. Last evaluated: 2022-04-09. Review status: criteria provided, single submitter. Criteria: Invitae Variant Classification Sherloc (09022015). Collection method: clinical testing. Allele origin: germline.
Comment: In summary, the available evidence is currently insufficient to determine the role of this variant in disease. Therefore, it has been classified as a Variant of Uncertain Significance. Algorithms developed to predict the effect of missense changes on protein structure and function are either unavailable or do not agree on the potential impact of this missense change (SIFT: "Deleterious"; PolyPhen-2: "Possibly Damaging"; Align-GVGD: "Class C0"). This variant has not been reported in the literature in individuals affected with ACTN2-related conditions. This variant is not present in population databases (gnomAD no frequency). This sequence change replaces arginine, which is basic and polar, with leucine, which is neutral and non-polar, at codon 640 of the ACTN2 protein (p.Arg640Leu).

NM_001103.4(ACTN2):c.1919G>T (p.Arg640Leu)

Gene: ACTN2 (actinin alpha 2; plus strand). Cytogenetic location: 1q43.
Variant type: single nucleotide variant.
Coding change: c.1919G>T on transcript NM_001103.4 (MANE Select); coding-DNA position 1919, G replaced by T.
Protein change: p.Arg640Leu; replaces arginine 640 with leucine.
Molecular consequence: missense variant.
Genome position (GRCh38, 1-based): chr1:236,754,026, G>T. VCF-style: chr1-236754026-G-T. GRCh37 (hg19) VCF-style: chr1-236917326-G-T.
Other names: c.1919G>T, p.Arg640Leu (NM_001278343.2); c.1295G>T, p.Arg432Leu (NM_001278344.2); c.1169G>T, p.Arg390Leu (NM_001412150.1); short protein forms R390L, R432L, R640L.
Identifiers: ClinVar variation 2116709 (VCV002116709.4), dbSNP rs772909106, ClinGen allele CA345386896.